The following is an entry in ClinVar:

NM_001903.5(CTNNA1):c.747G>T (p.Gln249His)

Gene: CTNNA1 (catenin alpha 1; plus strand). Cytogenetic location: 5q31.2.
Variant type: single nucleotide variant.
Coding change: c.747G>T on transcript NM_001903.5 (MANE Select); coding-DNA position 747, G replaced by T.
Protein change: p.Gln249His; replaces glutamine 249 with histidine.
Molecular consequence: missense variant.
Genome position (GRCh38, 1-based): chr5:138,824,688, G>T. VCF-style: chr5-138824688-G-T. GRCh37 (hg19) VCF-style: chr5-138160377-G-T.
Other names: c.747G>T, p.Gln249His (NM_001290307.3, NM_001323982.2, NM_001323983.1 and 3 more transcripts); c.438G>T, p.Gln146His (NM_001290309.3); c.378G>T, p.Gln126His (NM_001290310.3); short protein forms Q126H, Q249H, Q146H.
Identifiers: ClinVar variation 3663253 (VCV003663253.2).

ClinVar aggregate classification (germline): Uncertain significance (1 of 4 stars; one submission).

Submission:

Labcorp Genetics (formerly Invitae), Labcorp
Classification: Uncertain significance. Last evaluated: 2024-08-22. Review status: criteria provided, single submitter. Criteria: Invitae Variant Classification Sherloc (09022015). Collection method: clinical testing. Allele origin: germline.
Comment: This sequence change replaces glutamine, which is neutral and polar, with histidine, which is basic and polar, at codon 249 of the CTNNA1 protein (p.Gln249His). This variant is not present in population databases (gnomAD no frequency). This variant has not been reported in the literature in individuals affected with CTNNA1-related conditions. Invitae Evidence Modeling of protein sequence and biophysical properties (such as structural, functional, and spatial information, amino acid conservation, physicochemical variation, residue mobility, and thermodynamic stability) indicates that this missense variant is not expected to disrupt CTNNA1 protein function with a negative predictive value of 80%. In summary, the available evidence is currently insufficient to determine the role of this variant in disease. Therefore, it has been classified as a Variant of Uncertain Significance.